The following is an entry in ClinVar:

ClinVar aggregate classification (germline): Uncertain significance (1 of 4 stars; one submission).

Conditions:
Inborn genetic diseases. Identifiers: MedGen C0950123, MeSH D030342.

Submission:

Ambry Genetics
Classification: Uncertain significance for Inborn genetic diseases. Last evaluated: 2025-06-25. Review status: criteria provided, single submitter. Criteria: Ambry Variant Classification Scheme 2023. Collection method: clinical testing. Allele origin: germline.
Comment: The p.G1342R variant (also known as c.4024G>A), located in coding exon 1 of the SAMD9L gene, results from a G to A substitution at nucleotide position 4024. The glycine at codon 1342 is replaced by arginine, an amino acid with dissimilar properties. This amino acid position is conserved. In addition, this alteration is predicted to be tolerated by in silico analysis. Based on the available evidence, the clinical significance of this variant remains unclear.

NM_152703.5(SAMD9L):c.4024G>A (p.Gly1342Arg)

Gene: SAMD9L (sterile alpha motif domain containing 9 like; minus strand). Cytogenetic location: 7q21.2.
Variant type: single nucleotide variant.
Coding change: c.4024G>A on transcript NM_152703.5 (MANE Select); coding-DNA position 4024, G replaced by A.
Protein change: p.Gly1342Arg; replaces glycine 1342 with arginine.
Molecular consequence: missense variant.
Genome position (GRCh38, 1-based): chr7:93,131,948, C>T on the plus strand (G>A on the coding strand, the complement: SAMD9L is on the minus strand). VCF-style: chr7-93131948-C-T. GRCh37 (hg19) VCF-style: chr7-92761261-C-T.
Other names: c.4024G>A, p.Gly1342Arg (NM_001303496.3, NM_001303497.3, NM_001303498.3 and 5 more transcripts); short protein forms G1342R.
Identifiers: ClinVar variation 4159273 (VCV004159273.1).
Genomic context (GRCh38, chr7:93,131,948, plus strand): 5'-TCACTATACTTTCCATGGTGGTAGCATCTTTGTAGTTTGGATTAAGATATTCCAAGAGTC[C>T]AGCAAACCTATCTGCTCTCAGAGCTTCTAGCTTTTTCCTGCAATTCTCCTCCTGGAGTAA-3'
Protein context (NP_689916.2, residues 1332-1352): LEALRADRFA[Gly1342Arg]LLEYLNPNYK